The following is an entry in ClinVar:

NM_001242882.2(NAXD):c.439C>T (p.Gln147Ter)

Gene: NAXD (NAD(P)HX dehydratase; plus strand). Cytogenetic location: 13q34.
Variant type: single nucleotide variant.
Coding change: c.439C>T on transcript NM_001242882.2 (MANE Select); coding-DNA position 439, C replaced by T.
Protein change: p.Gln147Ter; replaces glutamine 147 with a stop codon.
Molecular consequence: nonsense. On other transcripts: non-coding transcript variant (2).
Genome position (GRCh38, 1-based): chr13:110,627,545, C>T. VCF-style: chr13-110627545-C-T. GRCh37 (hg19) VCF-style: chr13-111279892-C-T.
Other names: c.493C>T, p.Gln165Ter (NM_001242881.2, NM_018210.4); c.163C>T, p.Gln55Ter (NM_001242883.2); short protein forms Q165*, Q55*, Q147*.
Identifiers: ClinVar variation 1997101 (VCV001997101.5), dbSNP rs2501676936, ClinGen allele CA388732476.

ClinVar aggregate classification (germline): Pathogenic (1 of 4 stars; one submission).

Submissions (2):

Labcorp Genetics (formerly Invitae), Labcorp
Classification: Pathogenic. Last evaluated: 2023-07-17. Review status: criteria provided, single submitter. Criteria: Invitae Variant Classification Sherloc (09022015). Collection method: clinical testing. Allele origin: germline.
Comment: For these reasons, this variant has been classified as Pathogenic. Algorithms developed to predict the effect of sequence changes on RNA splicing suggest that this variant may disrupt the consensus splice site. ClinVar contains an entry for this variant (Variation ID: 1997101). This variant has not been reported in the literature in individuals affected with NAXD-related conditions. This variant is not present in population databases (gnomAD no frequency). This sequence change creates a premature translational stop signal (p.Gln165*) in the NAXD gene. It is expected to result in an absent or disrupted protein product. Loss-of-function variants in NAXD are known to be pathogenic (PMID: 30576410, 32462209).

Dr. Peter K. Rogan Lab, Western University
No classification provided (evidence only). Condition: Squamous cell lung carcinoma. Review status: no classification provided. Collection method: in vitro. Allele origin: not applicable. Functional consequence: skipped exon, retained intron. Not counted in ClinVar's aggregate classification.

Literature cited by the submitters: PubMed 30576410 (cited by Labcorp Genetics (formerly Invitae), Labcorp); PubMed 32462209 (cited by Labcorp Genetics (formerly Invitae), Labcorp).